The following is an entry in ClinVar:

ClinVar aggregate classification (germline): Uncertain significance. Review status: criteria provided, multiple submitters, no conflicts (2 of 4 stars). 2 submissions from 2 submitters: Uncertain significance (2). Last evaluated 2025-05-16.

Conditions:
Hereditary cancer-predisposing syndrome. Also called: Neoplastic Syndromes, Hereditary; Tumor predisposition; Hereditary Cancer Syndrome; Hereditary neoplastic syndrome. Identifiers: Orphanet 140162, MedGen C0027672, MeSH D009386, MONDO:0015356.

Submissions (2):

Ambry Genetics
Classification: Uncertain significance for Hereditary cancer-predisposing syndrome. Last evaluated: 2025-05-16. Review status: criteria provided, single submitter. Criteria: Ambry Variant Classification Scheme 2023. Collection method: clinical testing. Allele origin: germline.
Comment: The p.C1642F variant (also known as c.4925G>T), located in coding exon 37 of the POLE gene, results from a G to T substitution at nucleotide position 4925. The cysteine at codon 1642 is replaced by phenylalanine, an amino acid with highly dissimilar properties. This amino acid position is well conserved in available vertebrate species. In addition, the in silico prediction for this alteration is inconclusive. Based on the available evidence, the clinical significance of this variant remains unclear.

Labcorp Genetics (formerly Invitae), Labcorp
Classification: Uncertain significance. Last evaluated: 2024-10-21. Review status: criteria provided, single submitter. Criteria: Invitae Variant Classification Sherloc (09022015). Collection method: clinical testing. Allele origin: germline.
Comment: This sequence change replaces cysteine, which is neutral and slightly polar, with phenylalanine, which is neutral and non-polar, at codon 1642 of the POLE protein (p.Cys1642Phe). This variant is not present in population databases (gnomAD no frequency). This variant has not been reported in the literature in individuals affected with POLE-related conditions. ClinVar contains an entry for this variant (Variation ID: 999354). Invitae Evidence Modeling of protein sequence and biophysical properties (such as structural, functional, and spatial information, amino acid conservation, physicochemical variation, residue mobility, and thermodynamic stability) indicates that this missense variant is not expected to disrupt POLE protein function with a negative predictive value of 80%. In summary, the available evidence is currently insufficient to determine the role of this variant in disease. Therefore, it has been classified as a Variant of Uncertain Significance.

NM_006231.4(POLE):c.4925G>T (p.Cys1642Phe)

Gene: POLE (DNA polymerase epsilon, catalytic subunit; minus strand). Cytogenetic location: 12q24.33.
Variant type: single nucleotide variant.
Coding change: c.4925G>T on transcript NM_006231.4 (MANE Select); coding-DNA position 4925, G replaced by T.
Protein change: p.Cys1642Phe; replaces cysteine 1642 with phenylalanine.
Molecular consequence: missense variant.
Genome position (GRCh38, 1-based): chr12:132,642,533, C>A on the plus strand (G>T on the coding strand, the complement: POLE is on the minus strand). VCF-style: chr12-132642533-C-A. GRCh37 (hg19) VCF-style: chr12-133219119-C-A.
Other names: c.4925G>T (NM_006231.2); short protein forms C1642F.
Identifiers: ClinVar variation 999354 (VCV000999354.10), dbSNP rs2042170217, ClinGen allele CA387377894.